The following is an entry in ClinVar:

ClinVar aggregate classification (germline): Benign. Review status: criteria provided, multiple submitters, no conflicts (2 of 4 stars). 3 submissions from 3 submitters: Benign (2). 1 of the submissions does not count toward it. Last evaluated 2026-01-13.

Conditions:
KDF1-related disorder. Also called: KDF1-related condition.

Allele frequency attached by ClinVar (database versions not stated): gnomAD 0.00623 and 0.00619; 1000 Genomes Project 0.00879; 1000 Genomes Project 30x 0.00953; TOPMed 0.01039; ESP Exome Variant Server 0.00054.

Submissions (3):

Labcorp Genetics (formerly Invitae), Labcorp
Classification: Benign. Last evaluated: 2026-01-13. Review status: criteria provided, single submitter. Criteria: Invitae Variant Classification Sherloc (09022015). Collection method: clinical testing. Allele origin: germline.

Breakthrough Genomics
Classification: Benign. Review status: criteria provided, single submitter. Criteria: ACMG Guidelines, 2015. Collection method: not provided. Allele origin: germline. Inheritance: Autosomal dominant inheritance. Affected: yes.

PreventionGenetics, part of Exact Sciences
Classification: Benign for KDF1-related condition. Last evaluated: 2019-04-08. Review status: no assertion criteria provided. Collection method: clinical testing. Allele origin: germline. Not counted in ClinVar's aggregate classification.
Comment: This variant is classified as benign based on ACMG/AMP sequence variant interpretation guidelines (Richards et al. 2015 PMID: 25741868, with internal and published modifications).

NM_152365.3(KDF1):c.433C>T (p.Arg145Trp)

Gene: KDF1 (keratinocyte differentiation factor 1; minus strand). Cytogenetic location: 1p36.11.
Variant type: single nucleotide variant.
Coding change: c.433C>T on transcript NM_152365.3 (MANE Select); coding-DNA position 433, C replaced by T.
Protein change: p.Arg145Trp; replaces arginine 145 with tryptophan.
Molecular consequence: missense variant.
Genome position (GRCh38, 1-based): chr1:26,951,948, G>A on the plus strand (C>T on the coding strand, the complement: KDF1 is on the minus strand). VCF-style: chr1-26951948-G-A. GRCh37 (hg19) VCF-style: chr1-27278439-G-A.
Other names: short protein forms R145W.
Identifiers: ClinVar variation 782681 (VCV000782681.13), dbSNP rs150246438, ClinGen allele CA710306.